The following is an entry in ClinVar:

ClinVar aggregate classification (germline): Likely benign (1 of 4 stars; one submission).

Conditions:
AVIL-related disorder. Also called: AVIL-related condition.

gnomAD v4.1: 2 of 1,614,100 alleles (0.00012%); no homozygotes.

Submission:

PreventionGenetics, part of Exact Sciences
Classification: Likely benign for AVIL-related condition. Last evaluated: 2025-07-30. Review status: criteria provided, single submitter. Criteria: ACMG Guidelines, 2015. Collection method: clinical testing. Allele origin: germline.
Comment: This variant is classified as likely benign based on ACMG/AMP sequence variant interpretation guidelines (Richards et al. 2015 PMID: 25741868, with internal and published modifications).

NM_006576.4(AVIL):c.1938G>T (p.Val646=)

Gene: AVIL (advillin; minus strand). Cytogenetic location: 12q14.1.
Variant type: single nucleotide variant.
Coding change: c.1938G>T on transcript NM_006576.4 (MANE Select); coding-DNA position 1938, G replaced by T.
Protein change: p.Val646=; no amino-acid change (valine 646 retained).
Molecular consequence: synonymous variant.
Genome position (GRCh38, 1-based): chr12:57,803,271, C>A on the plus strand (G>T on the coding strand, the complement: AVIL is on the minus strand). VCF-style: chr12-57803271-C-A. GRCh37 (hg19) VCF-style: chr12-58197054-C-A.
Identifiers: ClinVar variation 4979556 (VCV004979556.1).